The following is an entry in ClinVar:

ClinVar aggregate classification (germline): Conflicting classifications of pathogenicity. Review status: criteria provided, conflicting classifications (1 of 4 stars). 5 submissions from 5 submitters: Uncertain significance (2); Benign (1). 2 of the submissions do not count toward it. Last evaluated 2025-09-16.

Conditions:
MUTYH-related disorder. Also called: MUTYH-related condition; MUTYH-related disorders.
Hereditary cancer-predisposing syndrome. Also called: Tumor predisposition; Hereditary Cancer Syndrome; Neoplastic Syndromes, Hereditary; Hereditary neoplastic syndrome. Identifiers: Orphanet 140162, MedGen C0027672, MeSH D009386, MONDO:0015356.
Familial adenomatous polyposis 2. Also called: Adenomas, multiple colorectal; MUTYH-associated polyposis; MUTYH Polyposis; FAP type 2; COLORECTAL ADENOMATOUS POLYPOSIS, AUTOSOMAL RECESSIVE; ADENOMAS, MULTIPLE COLORECTAL, AUTOSOMAL RECESSIVE. Identifiers: Orphanet 220460, Orphanet 247798, MedGen C3272841, MONDO:0012041, OMIM 608456.

Allele frequency attached by ClinVar (database versions not stated): gnomAD exomes below 0.00001.
gnomAD v4.1: 1 of 1,614,166 alleles (0.000062%); highest among the groups gnomAD compares: Admixed American, 0.0017%; no homozygotes.

Submissions (5):

Ambry Genetics
Classification: Benign for Hereditary cancer-predisposing syndrome. Last evaluated: 2025-09-16. Review status: criteria provided, single submitter. Criteria: Ambry Variant Classification Scheme 2023. Collection method: clinical testing. Allele origin: germline.

Labcorp Genetics (formerly Invitae), Labcorp
Classification: Uncertain significance for Familial adenomatous polyposis 2. Last evaluated: 2024-06-19. Review status: criteria provided, single submitter. Criteria: Invitae Variant Classification Sherloc (09022015). Collection method: clinical testing. Allele origin: germline.
Comment: This sequence change replaces arginine, which is basic and polar, with lysine, which is basic and polar, at codon 27 of the MUTYH protein (p.Arg27Lys). This variant is not present in population databases (gnomAD no frequency). This variant has not been reported in the literature in individuals affected with MUTYH-related conditions. ClinVar contains an entry for this variant (Variation ID: 142751). Algorithms developed to predict the effect of missense changes on protein structure and function output the following: SIFT: "Not Available"; PolyPhen-2: "Benign"; Align-GVGD: "Not Available". The lysine amino acid residue is found in multiple mammalian species, which suggests that this missense change does not adversely affect protein function. In summary, the available evidence is currently insufficient to determine the role of this variant in disease. Therefore, it has been classified as a Variant of Uncertain Significance.

Color Diagnostics, LLC DBA Color Health
Classification: Uncertain significance for Hereditary cancer-predisposing syndrome. Last evaluated: 2019-06-30. Review status: criteria provided, single submitter. Criteria: ACMG Guidelines, 2015. Collection method: clinical testing. Allele origin: germline.

PreventionGenetics, part of Exact Sciences
Classification: Uncertain significance for MUTYH-related condition. Last evaluated: 2024-03-14. Review status: no assertion criteria provided. Collection method: clinical testing. Allele origin: germline. Not counted in ClinVar's aggregate classification.
Comment: The MUTYH c.80G>A variant is predicted to result in the amino acid substitution p.Arg27Lys. To our knowledge, this variant has not been reported in the literature or in a large population database, indicating this variant is rare. This variant is interpreted as a variant of uncertain significance in ClinVar. At this time, the clinical significance of this variant is uncertain due to the absence of conclusive functional and genetic evidence.

Counsyl
Classification: Uncertain significance for Familial adenomatous polyposis 2. Last evaluated: 2016-06-08. Review status: no assertion criteria provided. Collection method: clinical testing. Allele origin: unknown. Not counted in ClinVar's aggregate classification.

NM_001048174.2(MUTYH):c.38G>A (p.Arg13Lys)

Gene: MUTYH (mutY DNA glycosylase; minus strand). Cytogenetic location: 1p34.1.
Variant type: single nucleotide variant.
Coding change: c.38G>A on transcript NM_001048174.2 (MANE Select); coding-DNA position 38, G replaced by A.
Protein change: p.Arg13Lys; replaces arginine 13 with lysine.
Molecular consequence: missense variant. On other transcripts: 5 prime UTR variant (4), non-coding transcript variant (2).
Genome position (GRCh38, 1-based): chr1:45,334,468, C>T on the plus strand (G>A on the coding strand, the complement: MUTYH is on the minus strand). VCF-style: chr1-45334468-C-T. GRCh37 (hg19) VCF-style: chr1-45800140-C-T.
Other names: c.38G>A, p.Arg13Lys (NM_001048171.2, NM_001048172.2, NM_001048173.2 and 2 more transcripts); c.80G>A, p.Arg27Lys (NM_001128425.2, NM_001293190.2, NM_012222.3); c.-175G>A (NM_001293192.2, NM_001293196.2); c.-234G>A (NM_001350650.2); c.-170G>A (NM_001350651.2); short protein forms R27K, R13K.
Identifiers: ClinVar variation 142751 (VCV000142751.19), dbSNP rs587782693, ClinGen allele CA014346.